The following is an entry in ClinVar:

NM_004963.4(GUCY2C):c.2522C>A (p.Thr841Asn)

Gene: GUCY2C (guanylate cyclase 2C; minus strand). Cytogenetic location: 12p12.3.
Variant type: single nucleotide variant.
Coding change: c.2522C>A on transcript NM_004963.4 (MANE Select); coding-DNA position 2522, C replaced by A.
Protein change: p.Thr841Asn; replaces threonine 841 with asparagine.
Molecular consequence: missense variant.
Genome position (GRCh38, 1-based): chr12:14,622,084, G>T on the plus strand (C>A on the coding strand, the complement: GUCY2C is on the minus strand). VCF-style: chr12-14622084-G-T. GRCh37 (hg19) VCF-style: chr12-14775018-G-T.
Other names: short protein forms T841N.
Identifiers: ClinVar variation 2011583 (VCV002011583.4), dbSNP rs1269925196, ClinGen allele CA383995094.

ClinVar aggregate classification (germline): Uncertain significance (1 of 4 stars; one submission).

gnomAD v4.1: 1 of 1,609,962 alleles (0.000062%); highest among the groups gnomAD compares: Non-Finnish European, 0.000085%; no homozygotes.

Submission:

Labcorp Genetics (formerly Invitae), Labcorp
Classification: Uncertain significance. Last evaluated: 2022-06-27. Review status: criteria provided, single submitter. Criteria: Invitae Variant Classification Sherloc (09022015). Collection method: clinical testing. Allele origin: germline.
Comment: This sequence change replaces threonine, which is neutral and polar, with asparagine, which is neutral and polar, at codon 841 of the GUCY2C protein (p.Thr841Asn). This variant is not present in population databases (gnomAD no frequency). This variant has not been reported in the literature in individuals affected with GUCY2C-related conditions. Algorithms developed to predict the effect of missense changes on protein structure and function are either unavailable or do not agree on the potential impact of this missense change (SIFT: "Deleterious"; PolyPhen-2: "Probably Damaging"; Align-GVGD: "Class C0"). In summary, the available evidence is currently insufficient to determine the role of this variant in disease. Therefore, it has been classified as a Variant of Uncertain Significance.